The following is an entry in ClinVar:

NM_001040142.2(SCN2A):c.1605A>G (p.Lys535=)

Gene: SCN2A (sodium voltage-gated channel alpha subunit 2; plus strand). Cytogenetic location: 2q24.3.
Variant type: single nucleotide variant.
Coding change: c.1605A>G on transcript NM_001040142.2 (MANE Select); coding-DNA position 1605, A replaced by G.
Protein change: p.Lys535=; no amino-acid change (lysine 535 retained).
Molecular consequence: synonymous variant.
Genome position (GRCh38, 1-based): chr2:165,315,692, A>G. VCF-style: chr2-165315692-A-G. GRCh37 (hg19) VCF-style: chr2-166172202-A-G.
Other names: c.1605A>G, p.Lys535= (NM_001040143.2, NM_001371246.1, NM_001371247.1 and 1 more transcripts).
Identifiers: ClinVar variation 533500 (VCV000533500.13), dbSNP rs367647572, ClinGen allele CA1939842.

ClinVar aggregate classification (germline): Likely benign. Review status: criteria provided, multiple submitters, no conflicts (2 of 4 stars). 3 submissions from 3 submitters: Likely benign (2). 1 of the submissions does not count toward it. Last evaluated 2024-05-15.

Conditions:
SCN2A-related disorder. Also called: SCN2A-related disorders; SCN2A-related condition. Identifiers: MedGen CN382226, MONDO:1060245.
Seizures, benign familial infantile, 3 (BFIS3). Also called: CONVULSIONS, BENIGN FAMILIAL INFANTILE, 3; Familial neonatal seizures. Identifiers: Orphanet 140927, Orphanet 306, MedGen C1843140, MONDO:0011904, OMIM 607745.
Developmental and epileptic encephalopathy, 11 (DEE11). Also called: Early infantile epileptic encephalopathy 11. Identifiers: Orphanet 1934, MedGen C3150987, MONDO:0013388, OMIM 613721.

Allele frequency attached by ClinVar (database versions not stated): ExAC 0.00002; gnomAD 0.00003 and 0.00004; ESP Exome Variant Server 0.00008; gnomAD exomes 0.00001; TOPMed 0.00003.
gnomAD v4.1: 9 of 1,613,568 alleles (0.00056%); highest among the groups gnomAD compares: African/African-American, 0.008%; no homozygotes.

Submissions (3):

Labcorp Genetics (formerly Invitae), Labcorp
Classification: Likely benign for Seizures, benign familial infantile, 3; Developmental and epileptic encephalopathy, 11. Last evaluated: 2024-05-15. Review status: criteria provided, single submitter. Criteria: Invitae Variant Classification Sherloc (09022015). Collection method: clinical testing. Allele origin: germline.

GeneDx
Classification: Likely benign. Last evaluated: 2019-09-23. Review status: criteria provided, single submitter. Criteria: GeneDx Variant Classification Process June 2021. Collection method: clinical testing. Allele origin: germline. Affected: yes.

PreventionGenetics, part of Exact Sciences
Classification: Likely benign for SCN2A-related condition. Last evaluated: 2023-01-26. Review status: no assertion criteria provided. Collection method: clinical testing. Allele origin: germline. Not counted in ClinVar's aggregate classification.
Comment: This variant is classified as likely benign based on ACMG/AMP sequence variant interpretation guidelines (Richards et al. 2015 PMID: 25741868, with internal and published modifications).